The following is an entry in ClinVar:

NM_000159.4(GCDH):c.1207C>T (p.His403Tyr)

Gene: GCDH (glutaryl-CoA dehydrogenase; plus strand). Cytogenetic location: 19p13.13.
Variant type: single nucleotide variant.
Coding change: c.1207C>T on transcript NM_000159.4 (MANE Select); coding-DNA position 1207, C replaced by T.
Protein change: p.His403Tyr; replaces histidine 403 with tyrosine.
Molecular consequence: missense variant. On other transcripts: non-coding transcript variant (2).
Genome position (GRCh38, 1-based): chr19:12,897,827, C>T. VCF-style: chr19-12897827-C-T. GRCh37 (hg19) VCF-style: chr19-13008641-C-T.
Other names: c.1207C>T, p.His403Tyr (NM_013976.5); short protein forms H403Y.
Identifiers: ClinVar variation 691529 (VCV000691529.10), dbSNP rs1599619080, ClinGen allele CA404321785.
Genomic context (GRCh38, chr19:12,897,827, plus strand): 5'-CGCCAGGCCCGAGACATGCTGGGGGGGAATGGGATTTCTGACGAGTATCACGTGATCCGG[C>T]ACGCCATGAACCTGGAGGCCGTGAACACCTACGAAGGTAGGAGCTGGACCTCAGAGGGCT-3'
Protein context (NP_000150.1, residues 393-413): GISDEYHVIR[His403Tyr]AMNLEAVNTY

ClinVar aggregate classification (germline): Pathogenic/Likely pathogenic. Review status: criteria provided, multiple submitters, no conflicts (2 of 4 stars). 3 submissions from 3 submitters: Pathogenic (2); Likely pathogenic (1). Last evaluated 2025-10-20.

Conditions:
Glutaric aciduria, type 1. Also called: Glutaricaciduria, type I; Glutaric Acidemia Type 1; Glutaryl-CoA dehydrogenase deficiency; Glutaric acidemia type I; Glutaricacidemia Type 1; GA I. Identifiers: Orphanet 25, MedGen C0268595, MONDO:0009281, OMIM 231670.

Submissions (4):

Women's Health and Genetics/Laboratory Corporation of America, LabCorp
Classification: Pathogenic for Glutaric aciduria, type 1. Last evaluated: 2025-10-20. Review status: criteria provided, single submitter. Criteria: LabCorp Variant Classification Summary - May 2015. Collection method: clinical testing. Allele origin: germline.
Comment: Variant summary: GCDH c.1207C>T (p.His403Tyr) results in a conservative amino acid change in the encoded protein sequence. Algorithms developed to predict the effect of missense changes on protein structure and function are either unavailable or do not agree on the potential impact of this missense change. The frequency data for this variant in gnomAD is considered unreliable, as metrics indicate poor data quality at this position. c.1207C>T has been observed in homozygous genotype in multiple individuals affected with Glutaric Acidemia Type 1 (Wang_2014, Tamhankar_2021). These data indicate that the variant is very likely to be associated with disease. To our knowledge, no experimental evidence demonstrating an impact on protein function has been reported. The following publications have been ascertained in the context of this evaluation (PMID: 37020324, 34504725, 24332224). ClinVar contains an entry for this variant (Variation ID: 691529). Based on the evidence outlined above, the variant was classified as pathogenic.

Labcorp Genetics (formerly Invitae), Labcorp
Classification: Pathogenic for Glutaric aciduria, type 1. Last evaluated: 2022-05-17. Review status: criteria provided, single submitter. Criteria: Invitae Variant Classification Sherloc (09022015). Collection method: clinical testing. Allele origin: germline.
Comment: This missense change has been observed in individual(s) with Glutaric acidemia, type I (PMID: 24332224, 34504725). This sequence change replaces histidine, which is basic and polar, with tyrosine, which is neutral and polar, at codon 403 of the GCDH protein (p.His403Tyr). This variant is not present in population databases (gnomAD no frequency). ClinVar contains an entry for this variant (Variation ID: 691529). Advanced modeling of protein sequence and biophysical properties (such as structural, functional, and spatial information, amino acid conservation, physicochemical variation, residue mobility, and thermodynamic stability) performed at Invitae indicates that this missense variant is expected to disrupt GCDH protein function. For these reasons, this variant has been classified as Pathogenic.

Foundation for Research in Genetics and Endocrinology, FRIGE's Institute of Human Genetics
Classification: Likely pathogenic for Glutaric aciduria, type 1. Last evaluated: 2019-05-30. Review status: criteria provided, single submitter. Criteria: ACMG Guidelines, 2015. Collection method: clinical testing. Allele origin: germline. Inheritance: Autosomal recessive inheritance. Affected: yes. Observed: 1 homozygote.
Comment: Homozygous variant c.1207C>T (p.His403Tyr) in exon 11 has been observed in GCDH gene. The variant has not been reported in the 1000 genomes and ExAC, dbSNP or any other databases. The in-silico prediction of the variant is possibly damaging by MutationTaster2, Polyphen2, Provean and FATHMM softwares. In summary, the said variant meets our criteria to be classified as likely pathogenic based on the mode of inheritance, in silico prediction and allele frequency in population databases.

Dr. Peter K. Rogan Lab, Western University
No classification provided (evidence only). Condition: Colon adenocarcinoma. Review status: no classification provided. Collection method: in vitro. Allele origin: not applicable. Functional consequence: retained intron. Not counted in ClinVar's aggregate classification.

Literature cited by the submitters: PubMed 24332224 (cited by Women's Health and Genetics/Laboratory Corporation of America, LabCorp and Labcorp Genetics (formerly Invitae), Labcorp); PubMed 34504725 (cited by Women's Health and Genetics/Laboratory Corporation of America, LabCorp and Labcorp Genetics (formerly Invitae), Labcorp); PubMed 37020324 (cited by Women's Health and Genetics/Laboratory Corporation of America, LabCorp).